The following is an entry in ClinVar:

NM_152309.3(PIK3AP1):c.620C>T (p.Ala207Val)

Gene: PIK3AP1 (phosphoinositide-3-kinase adaptor protein 1; minus strand). Cytogenetic location: 10q24.1.
Variant type: single nucleotide variant.
Coding change: c.620C>T on transcript NM_152309.3 (MANE Select); coding-DNA position 620, C replaced by T.
Protein change: p.Ala207Val; replaces alanine 207 with valine.
Molecular consequence: missense variant.
Genome position (GRCh38, 1-based): chr10:96,652,790, G>A on the plus strand (C>T on the coding strand, the complement: PIK3AP1 is on the minus strand). VCF-style: chr10-96652790-G-A. GRCh37 (hg19) VCF-style: chr10-98412547-G-A.
Other names: short protein forms A207V.
Identifiers: ClinVar variation 856725 (VCV000856725.9), dbSNP rs201029174, ClinGen allele CA5626490.

ClinVar aggregate classification (germline): Uncertain significance (1 of 4 stars; one submission).

Conditions:
Infantile spasms. Also called: Infantile spasm. Identifiers: MedGen C3887898, HP:0012469.

Allele frequency attached by ClinVar (database versions not stated): ExAC 0.00002; gnomAD exomes 0.00002 and 0.00003; gnomAD 0.00003; TOPMed 0.00005; ESP Exome Variant Server 0.00015.
gnomAD v4.1: 43 of 1,613,740 alleles (0.0027%); highest among the groups gnomAD compares: Middle Eastern, 0.016%; no homozygotes.

Submission:

Labcorp Genetics (formerly Invitae), Labcorp
Classification: Uncertain significance for Infantile spasms. Last evaluated: 2023-12-30. Review status: criteria provided, single submitter. Criteria: Invitae Variant Classification Sherloc (09022015). Collection method: clinical testing. Allele origin: germline.
Comment: This sequence change replaces alanine, which is neutral and non-polar, with valine, which is neutral and non-polar, at codon 207 of the PIK3AP1 protein (p.Ala207Val). The frequency data for this variant in the population databases is considered unreliable, as metrics indicate poor data quality at this position in the gnomAD database. This variant has not been reported in the literature in individuals affected with PIK3AP1-related conditions. ClinVar contains an entry for this variant (Variation ID: 856725). Algorithms developed to predict the effect of missense changes on protein structure and function output the following: SIFT: "Not Available"; PolyPhen-2: "Benign"; Align-GVGD: "Not Available". The valine amino acid residue is found in multiple mammalian species, which suggests that this missense change does not adversely affect protein function. In summary, the available evidence is currently insufficient to determine the role of this variant in disease. Therefore, it has been classified as a Variant of Uncertain Significance.